The following is an entry in ClinVar:

ClinVar aggregate classification (germline): Uncertain significance (1 of 4 stars; one submission).

Submission:

Labcorp Genetics (formerly Invitae), Labcorp
Classification: Uncertain significance. Last evaluated: 2025-06-15. Review status: criteria provided, single submitter. Criteria: Invitae Variant Classification Sherloc (09022015). Collection method: clinical testing. Allele origin: germline.
Comment: This sequence change replaces arginine, which is basic and polar, with glutamine, which is neutral and polar, at codon 83 of the NXN protein (p.Arg83Gln). This variant is not present in population databases (gnomAD no frequency). This variant has not been reported in the literature in individuals affected with NXN-related conditions. An algorithm developed to predict the effect of missense changes on protein structure and function (PolyPhen-2) suggests that this variant is likely to be tolerated. In summary, the available evidence is currently insufficient to determine the role of this variant in disease. Therefore, it has been classified as a Variant of Uncertain Significance.

NM_022463.5(NXN):c.248G>A (p.Arg83Gln)

Gene: NXN (nucleoredoxin; minus strand). Cytogenetic location: 17p13.3.
Variant type: single nucleotide variant.
Coding change: c.248G>A on transcript NM_022463.5 (MANE Select); coding-DNA position 248, G replaced by A.
Protein change: p.Arg83Gln; replaces arginine 83 with glutamine.
Molecular consequence: missense variant.
Genome position (GRCh38, 1-based): chr17:979,431, C>T on the plus strand (G>A on the coding strand, the complement: NXN is on the minus strand). VCF-style: chr17-979431-C-T. GRCh37 (hg19) VCF-style: chr17-882671-C-T.
Other names: short protein forms R83Q.
Identifiers: ClinVar variation 4721490 (VCV004721490.1).